The following is an entry in ClinVar:

ClinVar aggregate classification (germline): Uncertain significance (1 of 4 stars; one submission).

Conditions:
Inborn genetic diseases. Identifiers: MedGen C0950123, MeSH D030342.

Submission:

Ambry Genetics
Classification: Uncertain significance for Inborn genetic diseases. Last evaluated: 2024-03-04. Review status: criteria provided, single submitter. Criteria: Ambry Variant Classification Scheme 2023. Collection method: clinical testing. Allele origin: germline.
Comment: The p.G363S variant (also known as c.1087G>A), located in coding exon 4 of the SMAD6 gene, results from a G to A substitution at nucleotide position 1087. The glycine at codon 363 is replaced by serine, an amino acid with similar properties. This amino acid position is conserved. In addition, this alteration is predicted to be deleterious by in silico analysis. Based on the available evidence, the clinical significance of this alteration remains unclear.

NM_005585.5(SMAD6):c.1087G>A (p.Gly363Ser)

Gene: SMAD6 (SMAD family member 6; plus strand). Cytogenetic location: 15q22.31.
Variant type: single nucleotide variant.
Coding change: c.1087G>A on transcript NM_005585.5 (MANE Select); coding-DNA position 1087, G replaced by A.
Protein change: p.Gly363Ser; replaces glycine 363 with serine.
Molecular consequence: missense variant. On other transcripts: non-coding transcript variant (1).
Genome position (GRCh38, 1-based): chr15:66,781,131, G>A. VCF-style: chr15-66781131-G-A. GRCh37 (hg19) VCF-style: chr15-67073469-G-A.
Other names: short protein forms G363S.
Identifiers: ClinVar variation 3224783 (VCV003224783.1), dbSNP rs2541896943, ClinGen allele CA393201834.